The following is an entry in ClinVar:

ClinVar aggregate classification (germline): Conflicting classifications of pathogenicity. Review status: criteria provided, conflicting classifications (1 of 4 stars). 12 submissions from 12 submitters: Uncertain significance (2); Benign (2); Likely benign (4). 4 of the submissions do not count toward it. Last evaluated 2026-02-02.

Conditions:
Early-infantile DEE. Also called: Early infantile epileptic encephalopathy; Early infantile epileptic encephalopathy with suppression bursts; Ohtahara syndrome. Identifiers: Orphanet 1934, MedGen C0393706, MONDO:0800491.
SLC25A22-related disorder. Also called: SLC25A22-related condition.
Inborn genetic diseases. Identifiers: MedGen C0950123, MeSH D030342.
Early Myoclonic Encephalopathy. Identifiers: MedGen C0270855.

Allele frequency attached by ClinVar (database versions not stated): TOPMed 0.00089; gnomAD 0.00096; ESP Exome Variant Server 0.00100.
gnomAD v4.1: 2,288 of 1,598,154 alleles (0.14%); highest among the groups gnomAD compares: Non-Finnish European, 0.18%; 2 homozygotes.

Submissions (12):

Labcorp Genetics (formerly Invitae), Labcorp
Classification: Likely benign for Early-infantile DEE. Last evaluated: 2026-02-02. Review status: criteria provided, single submitter. Criteria: Invitae Variant Classification Sherloc (09022015). Collection method: clinical testing. Allele origin: germline.

Blueprint Genetics
Classification: Likely benign. Last evaluated: 2024-11-22. Review status: criteria provided, single submitter. Criteria: ACMG Guidelines, 2015. Collection method: clinical testing. Allele origin: germline.

CeGaT Center for Human Genetics Tuebingen
Classification: Likely benign. Last evaluated: 2024-11-01. Review status: criteria provided, single submitter. Criteria: CeGaT Center For Human Genetics Tuebingen Variant Classification Criteria Version 2. Collection method: clinical testing. Allele origin: germline. Affected: yes. Observed: 10 variant alleles.
Comment: SLC25A22: BP4, BP7

Ambry Genetics
Classification: Likely benign for Inborn genetic diseases. Last evaluated: 2018-02-20. Review status: criteria provided, single submitter. Criteria: Ambry Variant Classification Scheme 2023. Collection method: clinical testing. Allele origin: germline.

Illumina Laboratory Services, Illumina
Classification: Uncertain significance for Developmental and epileptic encephalopathy, 3. Last evaluated: 2018-01-13. Review status: criteria provided, single submitter. Criteria: ICSL Variant Classification Criteria 13 December 2019. Collection method: clinical testing. Allele origin: germline.

Eurofins Ntd Llc (ga)
Classification: Uncertain significance. Last evaluated: 2016-01-13. Review status: criteria provided, single submitter. Criteria: EGL Classification Definitions 2015. Collection method: clinical testing. Allele origin: germline. Observed: 2 variant alleles, 2 heterozygotes.

Genetic Services Laboratory, University of Chicago
Classification: Benign. Last evaluated: 2015-08-19. Review status: criteria provided, single submitter. Criteria: ACMG Guidelines, 2015. Collection method: clinical testing. Allele origin: germline. Affected: no.

GeneDx
Classification: Benign. Last evaluated: 2013-04-02. Review status: criteria provided, single submitter. Criteria: GeneDx Variant Classification (06012015). Collection method: clinical testing. Allele origin: germline. Affected: yes.
Comment: This variant is considered likely benign or benign based on one or more of the following criteria: it is a conservative change, it occurs at a poorly conserved position in the protein, it is predicted to be benign by multiple in silico algorithms, and/or has population frequency not consistent with disease.

PreventionGenetics, part of Exact Sciences
Classification: Likely benign for SLC25A22-related condition. Last evaluated: 2019-05-10. Review status: no assertion criteria provided. Collection method: clinical testing. Allele origin: germline. Not counted in ClinVar's aggregate classification.
Comment: This variant is classified as likely benign based on ACMG/AMP sequence variant interpretation guidelines (Richards et al. 2015 PMID: 25741868, with internal and published modifications).

Clinical Genetics DNA and cytogenetics Diagnostics Lab, Erasmus MC, Erasmus Medical Center
Classification: Likely benign. Review status: no assertion criteria provided. Collection method: clinical testing. Allele origin: germline. Affected: yes. Study: VKGL Data-share Consensus. Not counted in ClinVar's aggregate classification.

Diagnostic Laboratory, Department of Genetics, University Medical Center Groningen
Classification: Likely benign. Review status: no assertion criteria provided. Collection method: clinical testing. Allele origin: germline. Affected: yes. Study: VKGL Data-share Consensus. Not counted in ClinVar's aggregate classification.

Genome Diagnostics Laboratory, University Medical Center Utrecht
Classification: Likely benign. Review status: no assertion criteria provided. Collection method: clinical testing. Allele origin: germline. Affected: yes. Study: VKGL Data-share Consensus. Not counted in ClinVar's aggregate classification.

NM_001191061.2(SLC25A22):c.132C>T (p.Arg44=)

Gene: SLC25A22 (solute carrier family 25 member 22; minus strand). Cytogenetic location: 11p15.5.
Variant type: single nucleotide variant.
Coding change: c.132C>T on transcript NM_001191061.2 (MANE Select); coding-DNA position 132, C replaced by T.
Protein change: p.Arg44=; no amino-acid change (arginine 44 retained).
Molecular consequence: synonymous variant.
Genome position (GRCh38, 1-based): chr11:794,790, G>A on the plus strand (C>T on the coding strand, the complement: SLC25A22 is on the minus strand). VCF-style: chr11-794790-G-A. GRCh37 (hg19) VCF-style: chr11-794790-G-A.
Other names: p.R44R:CGC>CGT; c.132C>T, p.Arg44= (NM_001191060.2, NM_024698.6); c.132C>T (NM_001191060.1).
Identifiers: ClinVar variation 139130 (VCV000139130.100), dbSNP rs146402942, ClinGen allele CA293510.